The following is an entry in ClinVar:

ClinVar aggregate classification (germline): Benign. Review status: criteria provided, single submitter (1 of 4 stars). 2 submissions from 1 submitter: Benign (2). Last evaluated 2018-01-12.

Conditions:
Diffuse nonepidermolytic palmoplantar keratoderma (NEPPK). Also called: Nonepidermolytic palmoplantar hyperkeratosis; Nonepidermolytic palmoplantar keratoderma. Identifiers: Orphanet 530838, MedGen C1833030, MONDO:0010962, OMIM 600962, HP:0007404.
Epidermolytic ichthyosis. Also called: Congenital bullous ichthyosiform erythroderma; Bullous ichthyosiform erythroderma; Epidermolytic Hyperkeratosis; KRT10-Related Epidermolytic Hyperkeratosis. Identifiers: Orphanet 312, MedGen C0079153, MONDO:0007239, HP:0007475.

Allele frequency attached by ClinVar (database versions not stated): gnomAD exomes 0.00028; gnomAD 0.00039 and 0.00047; TOPMed 0.00069; 1000 Genomes Project 30x 0.00141; 1000 Genomes Project 0.00160.
gnomAD v4.1: 456 of 1,477,754 alleles (0.031%); highest among the groups gnomAD compares: East Asian, 0.95%; 4 homozygotes.

Submissions (2):

Illumina Laboratory Services, Illumina
Classification: Benign for Epidermolytic hyperkeratosis 1. Last evaluated: 2018-01-12. Review status: criteria provided, single submitter. Criteria: ICSL Variant Classification Criteria 13 December 2019. Collection method: clinical testing. Allele origin: germline.
Comment: This variant was observed in the ICSL laboratory as part of a predisposition screen in an ostensibly healthy population. It had not been previously curated by ICSL or reported in the Human Gene Mutation Database (HGMD: prior to June 1st, 2018), and was therefore a candidate for classification through an automated scoring system. Utilizing variant allele frequency, disease prevalence and penetrance estimates, and inheritance mode, an automated score was calculated to assess if this variant is too frequent to cause the disease. Based on the score and internal cut-off values, a variant classified as benign is not then subjected to further curation. The score for this variant resulted in a classification of benign for this disease.

Illumina Laboratory Services, Illumina
Classification: Benign for Diffuse nonepidermolytic palmoplantar keratoderma. Last evaluated: 2018-01-12. Review status: criteria provided, single submitter. Criteria: ICSL Variant Classification Criteria 13 December 2019. Collection method: clinical testing. Allele origin: germline.
Comment: the same text as in the submission from Illumina Laboratory Services, Illumina above.

NM_006121.4(KRT1):c.*95G>A

Gene: KRT1 (keratin 1; minus strand). Cytogenetic location: 12q13.13.
Variant type: single nucleotide variant.
Coding change: c.*95G>A on transcript NM_006121.4 (MANE Select); 95 bases downstream of the stop codon, G replaced by A.
Molecular consequence: 3 prime UTR variant.
Genome position (GRCh38, 1-based): chr12:52,675,098, C>T on the plus strand (G>A on the coding strand, the complement: KRT1 is on the minus strand). VCF-style: chr12-52675098-C-T. GRCh37 (hg19) VCF-style: chr12-53068882-C-T.
Identifiers: ClinVar variation 309634 (VCV000309634.5), dbSNP rs144520865, ClinGen allele CA10642800.